The following is an entry in ClinVar:

NM_000419.5(ITGA2B):c.2333A>C (p.Gln778Pro)

Gene: ITGA2B (integrin subunit alpha 2b; minus strand). Cytogenetic location: 17q21.31.
Variant type: single nucleotide variant.
Coding change: c.2333A>C on transcript NM_000419.5 (MANE Select); coding-DNA position 2333, A replaced by C.
Protein change: p.Gln778Pro; replaces glutamine 778 with proline.
Molecular consequence: missense variant.
Genome position (GRCh38, 1-based): chr17:44,376,323, T>G on the plus strand (A>C on the coding strand, the complement: ITGA2B is on the minus strand). VCF-style: chr17-44376323-T-G. GRCh37 (hg19) VCF-style: chr17-42453691-T-G.
Other names: c.2333A>C (LRG_479t1, NM_000419.4); short protein forms Q778P.
Identifiers: ClinVar variation 225393 (VCV000225393.13), dbSNP rs74475415, ClinGen allele CA290947544.

ClinVar aggregate classification (germline): Pathogenic. Review status: reviewed by expert panel (3 of 4 stars). 7 submissions from 7 submitters: Pathogenic (1). 6 of the submissions do not count toward it. Last evaluated 2020-09-08.

Conditions:
ITGA2B-related disorder. Also called: ITGA2B-related condition; ITGA2B-related disorders.
Platelet-type bleeding disorder 16 (BDPLT16). Also called: Bleeding disorder, platelet-type, 16, autosomal dominant. Identifiers: Orphanet 140957, MedGen C5442010, MONDO:0008552, OMIM 187800.
Glanzmann thrombasthenia 1 (GT1). Also called: BLEEDING DISORDER, PLATELET-TYPE, 2; GP IIb-IIIa COMPLEX DEFICIENCY; GLYCOPROTEIN COMPLEX IIb-IIIa DEFICIENCY; PLATELET FIBRINOGEN RECEPTOR DEFICIENCY. Identifiers: MedGen CN300358, MONDO:0031332, OMIM 273800.
Glanzmann thrombasthenia. Also called: THROMBASTHENIA OF GLANZMANN AND NAEGELI; Thrombasthenia; Glanzmann's thrombasthenia; PLATELET GLYCOPROTEIN IIb-IIIa DEFICIENCY. Identifiers: Orphanet 849, MedGen C0040015, MONDO:0100326.

Allele frequency attached by ClinVar (database versions not stated): gnomAD exomes 0.00001.
gnomAD v4.1: 14 of 1,614,172 alleles (0.00087%); highest among the groups gnomAD compares: East Asian, 0.029%; no homozygotes.

Submissions (7):

ClinGen Platelet Disorders Variant Curation Expert Panel, ClinGen
Classification: Pathogenic for Glanzmann thrombasthenia. Last evaluated: 2020-09-08. Review status: reviewed by expert panel. Criteria: ClinGen Platelet ACMG Specifications v2. Collection method: curation. Allele origin: germline. Inheritance: Autosomal recessive inheritance.
Comment: The NM_000419.4:c.2333A>C variant that results in the p.Gln778Pro amino acid change is reported in at least 5 homozygous and 6 compound heterozygous probands in the literature (PMID: 9722314, 22190468, 9763559, 29675921, 32237906). At least 5 variants in trans with Gln778Pro have been curated and evaluated for PM3 scoring. The variant is reported at frequency <0.0001 in the combined gnomAD v3 and v2.1.1 datasets. In summary, based on the available evidence at this time, the Gln778Pro variant is classified as pathogenic. GT-specific criteria applied: PM2_Supporting, PM3_Strong, PP4_Strong.

PreventionGenetics, part of Exact Sciences
Classification: Pathogenic for ITGA2B-related condition. Last evaluated: 2026-06-15. Review status: criteria provided, single submitter. Criteria: ACMG Guidelines, 2015. Collection method: clinical testing. Allele origin: germline. Not counted in ClinVar's aggregate classification.
Comment: The ITGA2B c.2333A>C variant is predicted to result in the amino acid substitution p.Gln778Pro. This variant is also known as p.Gln747Pro in the literature. This variant has been reported in the homozygous and compound heterozygous states in individuals with Glanzmann thrombasthenia (Ambo et al. 1998. PubMed ID: 9722314; Park et al. 2012. PubMed ID: 22190468; Bastida et al. 2018. PubMed ID: 28983057; Zhou et al. 2018. PubMed ID: 29675921). Functional studies showed that this variant impairs surface expression and endoproteolytic cleavage (Ambo et al. 1998. PubMed ID: 9722314; Tadokoro et al. 1998. PubMed ID: 9763559). This variant is reported in 0.011% of alleles in individuals of East Asian descent in gnomAD and is classified as pathogenic by ClinGen Platelet Disorders Variant Curation Expert Panel (Variation ID: 225393). This variant is interpreted as pathogenic.

Women's Health and Genetics/Laboratory Corporation of America, LabCorp
Classification: Pathogenic for Glanzmann thrombasthenia 1. Last evaluated: 2025-07-11. Review status: criteria provided, single submitter. Criteria: LabCorp Variant Classification Summary - May 2015. Collection method: clinical testing. Allele origin: germline. Not counted in ClinVar's aggregate classification.
Comment: Variant summary: ITGA2B c.2333A>C (p.Gln778Pro) results in a non-conservative amino acid change in the encoded protein sequence. Algorithms developed to predict the effect of missense changes on protein structure and function are either unavailable or do not agree on the potential impact of this missense change. The variant allele was found at a frequency of 8e-06 in 251464 control chromosomes. c.2333A>C has been observed in multiple individuals affected with Glanzmann thrombasthenia 1 (example: Zhou_2019). These data indicate that the variant is very likely to be associated with disease. The following publication has been ascertained in the context of this evaluation (PMID: 29675921). ClinVar contains an entry for this variant (Variation ID: 225393). Based on the evidence outlined above, the variant was classified as pathogenic.

Blueprint Genetics
Classification: Pathogenic for ITGA2B-related disorders. Last evaluated: 2020-02-20. Review status: criteria provided, single submitter. Criteria: ACMG Guidelines, 2015. Collection method: clinical testing. Allele origin: germline. Affected: yes. Observed: 3 variant alleles. Not counted in ClinVar's aggregate classification.

Soonchunhyang University Bucheon Hospital, Soonchunhyang University Medical Center
Classification: Likely pathogenic for Glanzmann thrombasthenia 1. Last evaluated: 2016-03-18. Review status: criteria provided, single submitter. Criteria: ACMG Guidelines, 2015. Collection method: reference population. Allele origin: germline. Observed: 1 variant allele. Not counted in ClinVar's aggregate classification.

ISTH-SSC Genomics in Thrombosis and Hemostasis, KU Leuven, Center for Molecular and Vascular Biology
Classification: Pathogenic for Glanzmann thrombasthenia 1. Review status: criteria provided, single submitter. Criteria: ACMG Guidelines, 2015. Collection method: clinical testing. Allele origin: germline. Affected: yes. Observed: 1 homozygote. Not counted in ClinVar's aggregate classification.
Comment: Submitted to GoldVariant by Jose María Bastida and José Rivera; Grupo Español de Alteraciones Plaquetarias Congénitas (GEAPC)

Juno Genomics, Hangzhou Juno Genomics, Inc
Classification: Pathogenic for Platelet-type bleeding disorder 16; Glanzmann thrombasthenia 1. Review status: criteria provided, single submitter. Criteria: ACMG Guidelines, 2015. Collection method: clinical testing. Allele origin: germline. Affected: yes. Not counted in ClinVar's aggregate classification.
Comment: For recessive disorders, detected in trans with a pathogenic variant.;Patient's phenotype or family history is highly specific for a disease with a single genetic etiology.

Literature cited by the submitters: PubMed 32237906 (cited by ClinGen Platelet Disorders Variant Curation Expert Panel, ClinGen); PubMed 22190468 (cited by ClinGen Platelet Disorders Variant Curation Expert Panel, ClinGen and Soonchunhyang University Bucheon Hospital, Soonchunhyang University Medical Center); PubMed 9722314 (cited by 3 submitters); PubMed 12181054 (cited by ClinGen Platelet Disorders Variant Curation Expert Panel, ClinGen); PubMed 29675921 (cited by ClinGen Platelet Disorders Variant Curation Expert Panel, ClinGen and Women's Health and Genetics/Laboratory Corporation of America, LabCorp); PubMed 20020534 (cited by ClinGen Platelet Disorders Variant Curation Expert Panel, ClinGen); PubMed 9763559 (cited by ClinGen Platelet Disorders Variant Curation Expert Panel, ClinGen).